The following is an entry in ClinVar:

NM_015267.4(CUX2):c.3814G>A (p.Val1272Met)

Gene: CUX2 (cut like homeobox 2; plus strand). Cytogenetic location: 12q24.12.
Variant type: single nucleotide variant.
Coding change: c.3814G>A on transcript NM_015267.4 (MANE Select); coding-DNA position 3814, G replaced by A.
Protein change: p.Val1272Met; replaces valine 1272 with methionine.
Molecular consequence: missense variant.
Genome position (GRCh38, 1-based): chr12:111,347,678, G>A. VCF-style: chr12-111347678-G-A. GRCh37 (hg19) VCF-style: chr12-111785482-G-A.
Other names: c.3628G>A, p.Val1210Met (NM_001370598.1); short protein forms V1210M, V1272M.
Identifiers: ClinVar variation 2643312 (VCV002643312.24), dbSNP rs775976563, ClinGen allele CA6789227.

ClinVar aggregate classification (germline): Likely benign (1 of 4 stars; one submission).

Allele frequency attached by ClinVar (database versions not stated): gnomAD exomes 0.00002; ExAC 0.00004; TOPMed 0.00004; gnomAD 0.00006.
gnomAD v4.1: 37 of 1,362,670 alleles (0.0027%); highest among the groups gnomAD compares: South Asian, 0.0045%; no homozygotes.

Submission:

CeGaT Center for Human Genetics Tuebingen
Classification: Likely benign. Last evaluated: 2022-10-01. Review status: criteria provided, single submitter. Criteria: CeGaT Center For Human Genetics Tuebingen Variant Classification Criteria Version 2. Collection method: clinical testing. Allele origin: germline. Affected: yes. Observed: 1 variant allele.
Comment: CUX2: BP4, BS1